The following is an entry in ClinVar:

NM_001136472.2(LITAF):c.272C>G (p.Pro91Arg)

Gene: LITAF (lipopolysaccharide induced TNF factor; minus strand). Cytogenetic location: 16p13.13.
Variant type: single nucleotide variant.
Coding change: c.272C>G on transcript NM_001136472.2 (MANE Select); coding-DNA position 272, C replaced by G.
Protein change: p.Pro91Arg; replaces proline 91 with arginine.
Molecular consequence: missense variant. On other transcripts: non-coding transcript variant (1).
Genome position (GRCh38, 1-based): chr16:11,553,638, G>C on the plus strand (C>G on the coding strand, the complement: LITAF is on the minus strand). VCF-style: chr16-11553638-G-C. GRCh37 (hg19) VCF-style: chr16-11647494-G-C.
Other names: c.272C>G, p.Pro91Arg (NM_001136473.1, NM_004862.4); short protein forms P91R.
Identifiers: ClinVar variation 1309397 (VCV001309397.5), dbSNP rs11544251, ClinGen allele CA394765766.

ClinVar aggregate classification (germline): Uncertain significance. Review status: criteria provided, multiple submitters, no conflicts (2 of 4 stars). 2 submissions from 2 submitters: Uncertain significance (2). Last evaluated 2023-05-22.

Conditions:
Charcot-Marie-Tooth disease type 1C. Also called: CHARCOT-MARIE-TOOTH DISEASE, DEMYELINATING, TYPE 1C; CMT, SLOW NERVE CONDUCTION TYPE C; HMSN IC; CHARCOT-MARIE-TOOTH NEUROPATHY, TYPE 1C; NEUROPATHY, HEREDITARY MOTOR AND SENSORY, TYPE IC; Charcot-Marie-Tooth disease, type IC. Identifiers: Orphanet 101083, MedGen C0270913, MONDO:0010995, OMIM 601098.

Allele frequency attached by ClinVar (database versions not stated): gnomAD exomes 0.00001.
gnomAD v4.1: 18 of 1,614,142 alleles (0.0011%); highest among the groups gnomAD compares: Non-Finnish European, 0.0011%; no homozygotes.

Submissions (2):

Labcorp Genetics (formerly Invitae), Labcorp
Classification: Uncertain significance for Charcot-Marie-Tooth disease type 1C. Last evaluated: 2023-05-22. Review status: criteria provided, single submitter. Criteria: Invitae Variant Classification Sherloc (09022015). Collection method: clinical testing. Allele origin: germline.
Comment: In summary, the available evidence is currently insufficient to determine the role of this variant in disease. Therefore, it has been classified as a Variant of Uncertain Significance. An algorithm developed to predict the effect of missense changes on protein structure and function (PolyPhen-2) suggests that this variant is likely to be disruptive. ClinVar contains an entry for this variant (Variation ID: 1309397). This variant has not been reported in the literature in individuals affected with LITAF-related conditions. This variant is not present in population databases (gnomAD no frequency). This sequence change replaces proline, which is neutral and non-polar, with arginine, which is basic and polar, at codon 91 of the LITAF protein (p.Pro91Arg).

GeneDx
Classification: Uncertain significance. Last evaluated: 2019-10-23. Review status: criteria provided, single submitter. Criteria: GeneDx Variant Classification Process June 2021. Collection method: clinical testing. Allele origin: germline. Affected: yes.
Comment: Not observed in large population cohorts (Lek et al., 2016); In silico analysis, which includes protein predictors and evolutionary conservation, supports a deleterious effect; Has not been previously published as pathogenic or benign to our knowledge